The following is an entry in ClinVar:

NM_030912.3(TRIM8):c.1271A>G (p.His424Arg)

Gene: TRIM8 (tripartite motif containing 8; plus strand). Cytogenetic location: 10q24.32.
Variant type: single nucleotide variant.
Coding change: c.1271A>G on transcript NM_030912.3 (MANE Select); coding-DNA position 1271, A replaced by G.
Protein change: p.His424Arg; replaces histidine 424 with arginine.
Molecular consequence: missense variant. On other transcripts: non-coding transcript variant (1).
Genome position (GRCh38, 1-based): chr10:102,656,969, A>G. VCF-style: chr10-102656969-A-G. GRCh37 (hg19) VCF-style: chr10-104416726-A-G.
Other names: c.1175A>G, p.His392Arg (NM_001345950.1); short protein forms H392R, H424R.
Identifiers: ClinVar variation 4777448 (VCV004777448.1).
Genomic context (GRCh38, chr10:102,656,969, plus strand): 5'-GCACAGCCAGCGGTGAGGGCCAGTCTGGGCAGCCCCTGGGGCCCTGCAGCTCCACGCAGC[A>G]CTTGGTGGCCCTGCCGGGCGGCGCCCAACCAGTGCACTCAAGCCCCGTGTTCCCCCCATC-3'
Protein context (NP_112174.2, residues 414-434): QPLGPCSSTQ[His424Arg]LVALPGGAQP

ClinVar aggregate classification (germline): Uncertain significance (1 of 4 stars; one submission).

gnomAD v4.1: 3 of 1,612,572 alleles (0.00019%); highest among the groups gnomAD compares: East Asian, 0.0022%; no homozygotes.

Submission:

Labcorp Genetics (formerly Invitae), Labcorp
Classification: Uncertain significance. Last evaluated: 2025-03-19. Review status: criteria provided, single submitter. Criteria: Invitae Variant Classification Sherloc (09022015). Collection method: clinical testing. Allele origin: germline.
Comment: This sequence change replaces histidine, which is basic and polar, with arginine, which is basic and polar, at codon 424 of the TRIM8 protein (p.His424Arg). This variant is present in population databases (no rsID available, gnomAD 0.006%). This variant has not been reported in the literature in individuals affected with TRIM8-related conditions. An algorithm developed to predict the effect of missense changes on protein structure and function (PolyPhen-2) suggests that this variant is likely to be tolerated. In summary, the available evidence is currently insufficient to determine the role of this variant in disease. Therefore, it has been classified as a Variant of Uncertain Significance.